The following is an entry in ClinVar:

NM_001286611.2(REPS1):c.1699C>T (p.Arg567Trp)

Gene: REPS1 (RALBP1 associated Eps domain containing 1; minus strand). Cytogenetic location: 6q24.1.
Variant type: single nucleotide variant.
Coding change: c.1699C>T on transcript NM_001286611.2 (MANE Select); coding-DNA position 1699, C replaced by T.
Protein change: p.Arg567Trp; replaces arginine 567 with tryptophan.
Molecular consequence: missense variant. On other transcripts: intron variant (1).
Genome position (GRCh38, 1-based): chr6:138,915,879, G>A on the plus strand (C>T on the coding strand, the complement: REPS1 is on the minus strand). VCF-style: chr6-138915879-G-A. GRCh37 (hg19) VCF-style: chr6-139237016-G-A.
Other names: c.1618C>T, p.Arg540Trp (NM_001128617.3); c.1696C>T, p.Arg566Trp (NM_031922.5); c.1448-1118C>T (NM_001286612.2); c.1696C>T (NM_031922.3); short protein forms R540W, R567W, R566W.
Identifiers: ClinVar variation 2957458 (VCV002957458.4), dbSNP rs762705256, ClinGen allele CA4024086.

ClinVar aggregate classification (germline): Uncertain significance. Review status: criteria provided, multiple submitters, no conflicts (2 of 4 stars). 2 submissions from 2 submitters: Uncertain significance (2). Last evaluated 2024-09-05.

Allele frequency attached by ClinVar (database versions not stated): gnomAD 0.00003; TOPMed 0.00003; ExAC 0.00004.
gnomAD v4.1: 88 of 1,611,530 alleles (0.0055%); highest among the groups gnomAD compares: Non-Finnish European, 0.007%; no homozygotes.

Submissions (2):

Labcorp Genetics (formerly Invitae), Labcorp
Classification: Uncertain significance. Last evaluated: 2024-09-05. Review status: criteria provided, single submitter. Criteria: Invitae Variant Classification Sherloc (09022015). Collection method: clinical testing. Allele origin: germline.
Comment: This sequence change replaces arginine, which is basic and polar, with tryptophan, which is neutral and slightly polar, at codon 567 of the REPS1 protein (p.Arg567Trp). This variant is present in population databases (rs762705256, gnomAD 0.006%). This missense change has been observed in individual(s) with REPS1-related conditions (PMID: 33057194, 35982159). Invitae Evidence Modeling of protein sequence and biophysical properties (such as structural, functional, and spatial information, amino acid conservation, physicochemical variation, residue mobility, and thermodynamic stability) indicates that this missense variant is expected to disrupt REPS1 protein function with a positive predictive value of 80%. In summary, the available evidence is currently insufficient to determine the role of this variant in disease. Therefore, it has been classified as a Variant of Uncertain Significance.

Ambry Genetics
Classification: Uncertain significance. Last evaluated: 2024-06-13. Review status: criteria provided, single submitter. Criteria: Ambry Variant Classification Scheme 2023. Collection method: clinical testing. Allele origin: germline.

Literature cited by the submitters: PubMed 33057194 (cited by Labcorp Genetics (formerly Invitae), Labcorp); PubMed 35982159 (cited by Labcorp Genetics (formerly Invitae), Labcorp).